The following is an entry in ClinVar:

ClinVar aggregate classification (germline): Uncertain significance (1 of 4 stars; one submission).

Conditions:
Charcot-Marie-Tooth disease type 2. Also called: Charcot-Marie-Tooth type 2. Identifiers: Orphanet 64746, MedGen C0270914, MONDO:0018993.

Submission:

Labcorp Genetics (formerly Invitae), Labcorp
Classification: Uncertain significance for Charcot-Marie-Tooth disease type 2. Last evaluated: 2022-04-03. Review status: criteria provided, single submitter. Criteria: Invitae Variant Classification Sherloc (09022015). Collection method: clinical testing. Allele origin: germline.
Comment: This sequence change replaces glutamine, which is neutral and polar, with lysine, which is basic and polar, at codon 568 of the KIF1B protein (p.Gln568Lys). This variant is not present in population databases (gnomAD no frequency). This variant has not been reported in the literature in individuals affected with KIF1B-related conditions. Algorithms developed to predict the effect of missense changes on protein structure and function (SIFT, PolyPhen-2, Align-GVGD) all suggest that this variant is likely to be tolerated. In summary, the available evidence is currently insufficient to determine the role of this variant in disease. Therefore, it has been classified as a Variant of Uncertain Significance.

NM_001365951.3(KIF1B):c.1840C>A (p.Gln614Lys)

Gene: KIF1B (kinesin family member 1B; plus strand). Cytogenetic location: 1p36.22.
Variant type: single nucleotide variant.
Coding change: c.1840C>A on transcript NM_001365951.3 (MANE Select); coding-DNA position 1840, C replaced by A.
Protein change: p.Gln614Lys; replaces glutamine 614 with lysine.
Molecular consequence: missense variant.
Genome position (GRCh38, 1-based): chr1:10,296,644, C>A. VCF-style: chr1-10296644-C-A. GRCh37 (hg19) VCF-style: chr1-10356702-C-A.
Other names: c.1840C>A, p.Gln614Lys (NM_001365952.1); c.1702C>A, p.Gln568Lys (NM_001365953.1, NM_015074.3, NM_183416.4); short protein forms Q568K, Q614K.
Identifiers: ClinVar variation 2152907 (VCV002152907.4), dbSNP rs2521397974, ClinGen allele CA338316044.